The following is an entry in ClinVar:

ClinVar aggregate classification (germline): Uncertain significance. Review status: criteria provided, single submitter (1 of 4 stars). 2 submissions from 2 submitters: Uncertain significance (1). 1 of the submissions does not count toward it. Last evaluated 2022-03-02.

Conditions:
Usher syndrome type 1 (USH1). Also called: RETINITIS PIGMENTOSA AND CONGENITAL DEAFNESS. Identifiers: Orphanet 231169, Orphanet 886, MedGen C1568247, MONDO:0010168, OMIM 276900.

Allele frequency attached by ClinVar (database versions not stated): TOPMed 0.00002; gnomAD 0.00003.
gnomAD v4.1: 26 of 1,591,994 alleles (0.0016%); highest among the groups gnomAD compares: Non-Finnish European, 0.0021%; no homozygotes.

Submissions (2):

Labcorp Genetics (formerly Invitae), Labcorp
Classification: Uncertain significance. Last evaluated: 2022-03-02. Review status: criteria provided, single submitter. Criteria: Invitae Variant Classification Sherloc (09022015). Collection method: clinical testing. Allele origin: germline.
Comment: This sequence change replaces proline, which is neutral and non-polar, with arginine, which is basic and polar, at codon 2590 of the CDH23 protein (p.Pro2590Arg). This variant is present in population databases (rs368781470, gnomAD 0.009%). This variant has not been reported in the literature in individuals affected with CDH23-related conditions. ClinVar contains an entry for this variant (Variation ID: 1038647). Algorithms developed to predict the effect of missense changes on protein structure and function are either unavailable or do not agree on the potential impact of this missense change (SIFT: "Deleterious"; PolyPhen-2: "Not Available"; Align-GVGD: "Class C0"). In summary, the available evidence is currently insufficient to determine the role of this variant in disease. Therefore, it has been classified as a Variant of Uncertain Significance.

Natera, Inc.
Classification: Uncertain significance for Usher syndrome type 1. Last evaluated: 2020-04-18. Review status: no assertion criteria provided. Collection method: clinical testing. Allele origin: germline. Not counted in ClinVar's aggregate classification.

NM_022124.6(CDH23):c.7769C>G (p.Pro2590Arg)

Gene: CDH23 (cadherin related 23; plus strand). Cytogenetic location: 10q22.1.
Variant type: single nucleotide variant.
Coding change: c.7769C>G on transcript NM_022124.6 (MANE Select); coding-DNA position 7769, C replaced by G.
Protein change: p.Pro2590Arg; replaces proline 2590 with arginine.
Molecular consequence: missense variant.
Genome position (GRCh38, 1-based): chr10:71,803,317, C>G. VCF-style: chr10-71803317-C-G. GRCh37 (hg19) VCF-style: chr10-73563074-C-G.
Other names: c.1049C>G, p.Pro350Arg (NM_001171933.1, NM_001171934.1); short protein forms P2590R, P350R.
Identifiers: ClinVar variation 1038647 (VCV001038647.7), dbSNP rs368781470, ClinGen allele CA5546434.